The following is an entry in ClinVar:

NM_007294.4(BRCA1):c.304G>A (p.Ala102Thr)

Gene: BRCA1 (BRCA1 DNA repair associated; minus strand). Cytogenetic location: 17q21.31.
Variant type: single nucleotide variant.
Coding change: c.304G>A on transcript NM_007294.4 (MANE Select); coding-DNA position 304, G replaced by A.
Protein change: p.Ala102Thr; replaces alanine 102 with threonine.
Molecular consequence: missense variant. On other transcripts: non-coding transcript variant (1).
Genome position (GRCh38, 1-based): chr17:43,104,259, C>T on the plus strand (G>A on the coding strand, the complement: BRCA1 is on the minus strand). VCF-style: chr17-43104259-C-T. GRCh37 (hg19) VCF-style: chr17-41256276-C-T.
Other names: c.163G>A, p.Ala55Thr (NM_001407732.1, NM_001408469.1, NM_001408470.1 and 99 more transcripts); c.304G>A, p.Ala102Thr (NM_001408472.1, NM_001408473.1, NM_001407625.1 and 165 more transcripts); c.226G>A, p.Ala76Thr (NM_001408474.1, NM_001408476.1, NM_001408475.1 and 21 more transcripts); c.94G>A, p.Ala32Thr (NM_001408478.1, NM_001408479.1, NM_001408480.1 and 58 more transcripts); c.295G>A, p.Ala99Thr (NM_001407646.1, NM_001407647.1, NM_001408408.1); c.-78G>A (NM_001407959.1, NM_001407960.1, NM_001407962.1 and 4 more transcripts); c.172G>A, p.Ala58Thr (NM_001408451.1); short protein forms A102T, A55T, A32T, A58T, A76T, A99T.
Identifiers: ClinVar variation 441426 (VCV000441426.12), dbSNP rs1555596491, ClinGen allele CA10601544.

ClinVar aggregate classification (germline): Uncertain significance. Review status: criteria provided, multiple submitters, no conflicts (2 of 4 stars). 3 submissions from 3 submitters: Uncertain significance (3). Last evaluated 2025-10-23.

Conditions:
Hereditary cancer-predisposing syndrome. Also called: Hereditary Cancer Syndrome; Hereditary neoplastic syndrome; Neoplastic Syndromes, Hereditary; Tumor predisposition. Identifiers: Orphanet 140162, MedGen C0027672, MeSH D009386, MONDO:0015356.
Hereditary breast ovarian cancer syndrome. Also called: Hereditary breast and ovarian cancer; Breast and ovarian cancer; Hereditary breast and ovarian cancer syndrome; Hereditary breast and/or ovarian cancer syndrome; BRCA1- and BRCA2-Associated Hereditary Breast and Ovarian Cancer; Hereditary breast and ovarian cancer syndrome (HBOC). Identifiers: Orphanet 145, MedGen C0677776, MeSH D061325, MONDO:0003582. Disease mechanism: loss of function.

Submissions (3):

Ambry Genetics
Classification: Uncertain significance for Hereditary cancer-predisposing syndrome. Last evaluated: 2025-10-23. Review status: criteria provided, single submitter. Criteria: Ambry Variant Classification Scheme 2023. Collection method: clinical testing. Allele origin: germline.
Comment: The p.A102T variant (also known as c.304G>A), located in coding exon 5 of the BRCA1 gene, results from a G to A substitution at nucleotide position 304. The alanine at codon 102 is replaced by threonine, an amino acid with similar properties. This variant was not reported in population based cohorts in the following databases: Database of Single Nucleotide Polymorphisms (dbSNP), NHLBI Exome Sequencing Project (ESP), and 1000 Genomes Project. In the ESP, this variant was not observed in 6503 samples (13006 alleles) with coverage at this position. To date, this alteration has been detected with an allele frequency of approximately 0.0003% (greater than 300000 alleles tested) in our clinical cohort. This amino acid position is poorly conserved in available vertebrate species. In addition, the in silico prediction for this alteration is inconclusive. Since supporting evidence is limited at this time, the clinical significance of this alteration remains unclear.

Labcorp Genetics (formerly Invitae), Labcorp
Classification: Uncertain significance for Hereditary breast ovarian cancer syndrome. Last evaluated: 2025-09-25. Review status: criteria provided, single submitter. Criteria: Invitae Variant Classification Sherloc (09022015). Collection method: clinical testing. Allele origin: germline.
Comment: This sequence change replaces alanine, which is neutral and non-polar, with threonine, which is neutral and polar, at codon 102 of the BRCA1 protein (p.Ala102Thr). This variant is not present in population databases (gnomAD no frequency). This variant has not been reported in the literature in individuals affected with BRCA1-related conditions. ClinVar contains an entry for this variant (Variation ID: 441426). An algorithm developed to predict the effect of missense changes on protein structure and function outputs the following: PolyPhen-2: "Benign". The threonine amino acid residue is found in multiple mammalian species, which suggests that this missense change does not adversely affect protein function. In summary, the available evidence is currently insufficient to determine the role of this variant in disease. Therefore, it has been classified as a Variant of Uncertain Significance.

GeneDx
Classification: Uncertain significance. Last evaluated: 2022-04-21. Review status: criteria provided, single submitter. Criteria: GeneDx Variant Classification Process June 2021. Collection method: clinical testing. Allele origin: germline. Affected: yes.
Comment: Not observed at significant frequency in large population cohorts (gnomAD); In silico analysis supports that this missense variant does not alter protein structure/function; Has not been previously published as pathogenic or benign to our knowledge; Also known as 423G>A; This variant is associated with the following publications: (PMID: 20215511)